The following is an entry in ClinVar:

ClinVar aggregate classification (germline): Uncertain significance. Review status: criteria provided, multiple submitters, no conflicts (2 of 4 stars). 4 submissions from 4 submitters: Uncertain significance (4). Last evaluated 2024-11-18.

Conditions:
Myofibrillar myopathy 5. Also called: Filaminopathy (type); FILAMINOPATHY, AUTOSOMAL DOMINANT. Identifiers: Orphanet 171445, MedGen C1836050, MONDO:0012289, OMIM 609524.
Distal myopathy with posterior leg and anterior hand involvement. Also called: WILLIAMS DISTAL MYOPATHY. Identifiers: Orphanet 63273, MedGen C3279722, MONDO:0013550, OMIM 614065.
Hypertrophic cardiomyopathy 26. Also called: Cardiomyopathy, familial hypertrophic, 26. Identifiers: Orphanet 75249, MedGen C4310749, MONDO:0014883, OMIM 617047.
Cardiovascular phenotype. Identifiers: MedGen CN230736.

Allele frequency attached by ClinVar (database versions not stated): gnomAD exomes below 0.00001.
gnomAD v4.1: 10 of 1,614,146 alleles (0.00062%); highest among the groups gnomAD compares: Admixed American, 0.0017%; no homozygotes.

Submissions (4):

Ambry Genetics
Classification: Uncertain significance for Cardiovascular phenotype. Last evaluated: 2024-11-18. Review status: criteria provided, single submitter. Criteria: Ambry Variant Classification Scheme 2023. Collection method: clinical testing. Allele origin: germline.
Comment: The p.V2496A variant (also known as c.7487T>C), located in coding exon 45 of the FLNC gene, results from a T to C substitution at nucleotide position 7487. The valine at codon 2496 is replaced by alanine, an amino acid with similar properties. This amino acid position is conserved. In addition, this alteration is predicted to be deleterious by in silico analysis. Based on the available evidence, the clinical significance of this variant remains unclear.

Labcorp Genetics (formerly Invitae), Labcorp
Classification: Uncertain significance for Distal myopathy with posterior leg and anterior hand involvement; Myofibrillar myopathy 5; Hypertrophic cardiomyopathy 26. Last evaluated: 2024-07-17. Review status: criteria provided, single submitter. Criteria: Invitae Variant Classification Sherloc (09022015). Collection method: clinical testing. Allele origin: germline.
Comment: This sequence change replaces valine, which is neutral and non-polar, with alanine, which is neutral and non-polar, at codon 2496 of the FLNC protein (p.Val2496Ala). This variant is present in population databases (no rsID available, gnomAD 0.003%). This variant has not been reported in the literature in individuals affected with FLNC-related conditions. ClinVar contains an entry for this variant (Variation ID: 842553). Advanced modeling of protein sequence and biophysical properties (such as structural, functional, and spatial information, amino acid conservation, physicochemical variation, residue mobility, and thermodynamic stability) performed at Invitae indicates that this missense variant is not expected to disrupt FLNC protein function with a negative predictive value of 80%. In summary, the available evidence is currently insufficient to determine the role of this variant in disease. Therefore, it has been classified as a Variant of Uncertain Significance.

GeneDx
Classification: Uncertain significance. Last evaluated: 2023-01-16. Review status: criteria provided, single submitter. Criteria: GeneDx Variant Classification Process June 2021. Collection method: clinical testing. Allele origin: germline. Affected: yes.
Comment: Not observed at significant frequency in large population cohorts (gnomAD); In silico analysis supports that this missense variant has a deleterious effect on protein structure/function; Has not been previously published as pathogenic or benign to our knowledge

Mayo Clinic Laboratories, Mayo Clinic
Classification: Uncertain significance. Last evaluated: 2022-10-20. Review status: criteria provided, single submitter. Criteria: ACMG Guidelines, 2015. Collection method: clinical testing. Allele origin: germline. Observed: 1 variant allele.
Comment: PP3

NM_001458.5(FLNC):c.7487T>C (p.Val2496Ala)

Genes: FLNC-AS1 (FLNC antisense RNA 1; minus strand), FLNC (filamin C; plus strand). Cytogenetic location: 7q32.1.
Variant type: single nucleotide variant.
Coding change: c.7487T>C on transcript NM_001458.5 (MANE Select); coding-DNA position 7487, T replaced by C.
Protein change: p.Val2496Ala; replaces valine 2496 with alanine.
Molecular consequence: missense variant.
Genome position (GRCh38, 1-based): chr7:128,856,847, T>C. VCF-style: chr7-128856847-T-C. GRCh37 (hg19) VCF-style: chr7-128496901-T-C.
Other names: p.Val2496Ala; c.7388T>C, p.Val2463Ala (NM_001127487.2); short protein forms V2496A, V2463A.
Identifiers: ClinVar variation 842553 (VCV000842553.13), dbSNP rs1284210024, ClinGen allele CA369218587.